The following is an entry in ClinVar:

ClinVar aggregate classification (germline): Uncertain significance (1 of 4 stars; one submission).

Conditions:
Brugada syndrome 8 (BRGDA8). Identifiers: Orphanet 130, MedGen C2751083, MONDO:0013148, OMIM 613123.

Allele frequency attached by ClinVar (database versions not stated): gnomAD exomes 0.00001.

Submission:

Labcorp Genetics (formerly Invitae), Labcorp
Classification: Uncertain significance for Brugada syndrome 8. Last evaluated: 2021-03-14. Review status: criteria provided, single submitter. Criteria: Invitae Variant Classification Sherloc (09022015). Collection method: clinical testing. Allele origin: germline.
Comment: In summary, the available evidence is currently insufficient to determine the role of this variant in disease. Therefore, it has been classified as a Variant of Uncertain Significance. This sequence change replaces serine with asparagine at codon 971 of the HCN4 protein (p.Ser971Asn). The serine residue is highly conserved and there is a small physicochemical difference between serine and asparagine. This variant is not present in population databases (ExAC no frequency). This variant has not been reported in the literature in individuals with HCN4-related conditions. Advanced modeling of protein sequence and biophysical properties (such as structural, functional, and spatial information, amino acid conservation, physicochemical variation, residue mobility, and thermodynamic stability) performed at Invitae indicates that this missense variant is not expected to disrupt HCN4 protein function.

NM_005477.3(HCN4):c.2912G>A (p.Ser971Asn)

Gene: HCN4 (hyperpolarization activated cyclic nucleotide gated potassium channel 4; minus strand). Cytogenetic location: 15q24.1.
Variant type: single nucleotide variant.
Coding change: c.2912G>A on transcript NM_005477.3 (MANE Select); coding-DNA position 2912, G replaced by A.
Protein change: p.Ser971Asn; replaces serine 971 with asparagine.
Molecular consequence: missense variant.
Genome position (GRCh38, 1-based): chr15:73,323,181, C>T on the plus strand (G>A on the coding strand, the complement: HCN4 is on the minus strand). VCF-style: chr15-73323181-C-T. GRCh37 (hg19) VCF-style: chr15-73615522-C-T.
Other names: short protein forms S971N.
Identifiers: ClinVar variation 1466966 (VCV001466966.8), dbSNP rs1231727151, ClinGen allele CA393086951.
Genomic context (GRCh38, chr15:73,323,181, plus strand): 5'-AGTGGGCCAGTGGCCAGACCTAGGGACAACTCCCCGGGAGGCTGGCCCAGCTGCCCGGGG[C>T]TAGATGACGGGGATCTGGATGAGGGTGGGGGTGGCAGGAAGTGCTCCGGGAGTCCCAGGC-3'
Protein context (NP_005468.1, residues 961-981): PPPSSRSPSS[Ser971Asn]PGQLGQPPGE